The following is an entry in ClinVar:

NM_000548.5(TSC2):c.3356A>G (p.Gln1119Arg)

Gene: TSC2 (TSC complex subunit 2; plus strand). Cytogenetic location: 16p13.3.
Variant type: single nucleotide variant.
Coding change: c.3356A>G on transcript NM_000548.5 (MANE Select); coding-DNA position 3356, A replaced by G.
Protein change: p.Gln1119Arg; replaces glutamine 1119 with arginine.
Molecular consequence: missense variant.
Genome position (GRCh38, 1-based): chr16:2,079,628, A>G. VCF-style: chr16-2079628-A-G. GRCh37 (hg19) VCF-style: chr16-2129629-A-G.
Other names: c.3224A>G, p.Gln1075Arg (NM_001077183.3, NM_001370404.1); c.3356A>G, p.Gln1119Arg (NM_001114382.3); c.3116A>G, p.Gln1039Arg (NM_001318827.2); c.3080A>G, p.Gln1027Arg (NM_001318829.2); c.2624A>G, p.Gln875Arg (NM_001318831.2); c.3257A>G, p.Gln1086Arg (NM_001318832.2); c.3227A>G, p.Gln1076Arg (NM_001363528.2, NM_001370405.1, NM_021055.3); short protein forms Q1119R, Q1075R, Q1076R, Q1027R, Q1039R, Q1086R, Q875R.
Identifiers: ClinVar variation 580272 (VCV000580272.14), dbSNP rs1567500641, ClinGen allele CA394286659.

ClinVar aggregate classification (germline): Uncertain significance. Review status: criteria provided, multiple submitters, no conflicts (2 of 4 stars). 4 submissions from 4 submitters: Uncertain significance (4). Last evaluated 2024-12-09.

Conditions:
Hereditary cancer-predisposing syndrome. Also called: Hereditary neoplastic syndrome; Tumor predisposition; Hereditary Cancer Syndrome; Neoplastic Syndromes, Hereditary. Identifiers: Orphanet 140162, MedGen C0027672, MeSH D009386, MONDO:0015356.
Tuberous sclerosis 2 (TSC2). Identifiers: Orphanet 805, MedGen C1860707, MONDO:0013199, OMIM 613254.
Tuberous sclerosis syndrome (TSC). Also called: Tuberous Sclerosis Complex; Tuberous sclerosis. Identifiers: Orphanet 805, MedGen C0041341, MONDO:0001734.

Submissions (4):

Labcorp Genetics (formerly Invitae), Labcorp
Classification: Uncertain significance for Tuberous sclerosis 2. Last evaluated: 2024-12-09. Review status: criteria provided, single submitter. Criteria: Invitae Variant Classification Sherloc (09022015). Collection method: clinical testing. Allele origin: germline.
Comment: This sequence change replaces glutamine, which is neutral and polar, with arginine, which is basic and polar, at codon 1119 of the TSC2 protein (p.Gln1119Arg). This variant is not present in population databases (gnomAD no frequency). This variant has not been reported in the literature in individuals affected with TSC2-related conditions. ClinVar contains an entry for this variant (Variation ID: 580272). Invitae Evidence Modeling of protein sequence and biophysical properties (such as structural, functional, and spatial information, amino acid conservation, physicochemical variation, residue mobility, and thermodynamic stability) indicates that this missense variant is not expected to disrupt TSC2 protein function with a negative predictive value of 95%. In summary, the available evidence is currently insufficient to determine the role of this variant in disease. Therefore, it has been classified as a Variant of Uncertain Significance.

All of Us Research Program, National Institutes of Health
Classification: Uncertain significance for Tuberous sclerosis syndrome. Last evaluated: 2024-08-13. Review status: criteria provided, single submitter. Criteria: ACMG Guidelines, 2015. Collection method: clinical testing. Allele origin: germline. Inheritance: Autosomal dominant inheritance. Observed: 1 variant allele, 1 heterozygote.
Comment: This missense variant replaces glutamine with arginine at codon 1119 of the TSC2 protein. Computational prediction is inconclusive regarding the impact of this variant on protein structure and function. To our knowledge, functional studies have not been reported for this variant. This variant has not been reported in individuals affected with tuberous sclerosis complex in the literature. This variant has not been identified in the general population by the Genome Aggregation Database (gnomAD). The available evidence is insufficient to determine the role of this variant in disease conclusively. Therefore, this variant is classified as a Variant of Uncertain Significance.

This study involves interpretation of variants in research participants for the purpose of population health screening. Participant phenotype was not available at the time of variant classification. Additional details can be found in publication PMID: 35346344, PMCID: PMC8962531

Ambry Genetics
Classification: Uncertain significance for Hereditary cancer-predisposing syndrome. Last evaluated: 2024-05-28. Review status: criteria provided, single submitter. Criteria: Ambry Variant Classification Scheme 2023. Collection method: clinical testing. Allele origin: germline.
Comment: The p.Q1119R variant (also known as c.3356A>G), located in coding exon 28 of the TSC2 gene, results from an A to G substitution at nucleotide position 3356. The glutamine at codon 1119 is replaced by arginine, an amino acid with highly similar properties. This amino acid position is conserved. In addition, this alteration is predicted to be deleterious by in silico analysis. Since supporting evidence is limited at this time, the clinical significance of this alteration remains unclear.

GeneDx
Classification: Uncertain significance. Last evaluated: 2022-02-02. Review status: criteria provided, single submitter. Criteria: GeneDx Variant Classification Process June 2021. Collection method: clinical testing. Allele origin: germline. Affected: yes.
Comment: Not observed at significant frequency in large population cohorts (gnomAD); In silico analysis supports that this missense variant does not alter protein structure/function; Has not been previously published as pathogenic or benign to our knowledge